The following is an entry in ClinVar:

NM_000535.5:c.904_911delGTCTGCAG

Gene: PMS2 (PMS1 homolog 2, mismatch repair system component; minus strand).
Variant type: Deletion.
Identifiers: ClinVar variation 4140497 (VCV004140497.1).

ClinVar aggregate classification (germline): Pathogenic (1 of 4 stars; one submission).

Conditions:
Hereditary cancer-predisposing syndrome. Also called: Hereditary neoplastic syndrome; Neoplastic Syndromes, Hereditary; Tumor predisposition; Hereditary Cancer Syndrome. Identifiers: Orphanet 140162, MedGen C0027672, MeSH D009386, MONDO:0015356.

Submission:

Ambry Genetics
Classification: Pathogenic for Hereditary cancer-predisposing syndrome. Last evaluated: 2025-07-14. Review status: criteria provided, single submitter. Criteria: Ambry Variant Classification Scheme 2023. Collection method: clinical testing. Allele origin: germline.
Comment: The c.904_911delGTCTGCAG pathogenic mutation, located in coding exon 9 of the PMS2 gene, results from a deletion of 8 nucleotides at nucleotide positions 904 to 911, causing a translational frameshift with a predicted alternate stop codon (p.V302Tfs*4). This variant has been identified in conjunction with other PMS2 variant(s) in individual(s) who met clinical criteria for PMS2-related constitutional mismatch repair deficiency (Kroeze E et al. Hemasphere, 2022 Jan;6:e668). This variant is considered to be rare based on population cohorts in the Genome Aggregation Database (gnomAD). This alteration is expected to result in loss of function by premature protein truncation or nonsense-mediated mRNA decay. As such, this alteration is interpreted as a disease-causing mutation.

Literature cited by the submitters: PubMed 34964038.